The following is an entry in ClinVar:

ClinVar aggregate classification (germline): Uncertain significance. Review status: criteria provided, multiple submitters, no conflicts (2 of 4 stars). 2 submissions from 2 submitters: Uncertain significance (2). Last evaluated 2023-08-26.

Conditions:
Pancreatic cancer, susceptibility to, 1. Identifiers: Orphanet 1333, MedGen C1847351, MONDO:0011739, OMIM 606856.

Allele frequency attached by ClinVar (database versions not stated): gnomAD exomes below 0.00001 and 0.00009; ExAC 0.00001; gnomAD 0.00001 and 0.00002; TOPMed 0.00001; ESP Exome Variant Server 0.00008.
gnomAD v4.1: 122 of 1,609,002 alleles (0.0076%); highest among the groups gnomAD compares: Non-Finnish European, 0.01%; no homozygotes.

Submissions (2):

Ambry Genetics
Classification: Uncertain significance. Last evaluated: 2023-08-26. Review status: criteria provided, single submitter. Criteria: Ambry Variant Classification Scheme 2023. Collection method: clinical testing. Allele origin: germline.
Comment: The p.K377E variant (also known as c.1129A>G), located in coding exon 3 of the PALLD gene, results from an A to G substitution at nucleotide position 1129. The lysine at codon 377 is replaced by glutamic acid, an amino acid with similar properties. This amino acid position is conserved. In addition, this alteration is predicted to be tolerated by in silico analysis. Since supporting evidence is limited at this time, the clinical significance of this alteration remains unclear.

Illumina Laboratory Services, Illumina
Classification: Uncertain significance for Pancreatic cancer, susceptibility to, 1. Last evaluated: 2018-01-12. Review status: criteria provided, single submitter. Criteria: ICSL Variant Classification Criteria 13 December 2019. Collection method: clinical testing. Allele origin: germline.

NM_001166108.2(PALLD):c.1129A>G (p.Lys377Glu)

Gene: PALLD (palladin, cytoskeletal associated protein; plus strand). Cytogenetic location: 4q32.3.
Variant type: single nucleotide variant.
Coding change: c.1129A>G on transcript NM_001166108.2 (MANE Select); coding-DNA position 1129, A replaced by G.
Protein change: p.Lys377Glu; replaces lysine 377 with glutamic acid.
Molecular consequence: missense variant. On other transcripts: 5 prime UTR variant (1).
Genome position (GRCh38, 1-based): chr4:168,681,373, A>G. VCF-style: chr4-168681373-A-G. GRCh37 (hg19) VCF-style: chr4-169602524-A-G.
Other names: c.-18A>G (NM_001166109.2); c.1129A>G, p.Lys377Glu (NM_016081.4); short protein forms K377E.
Identifiers: ClinVar variation 902977 (VCV000902977.7), dbSNP rs368684220, ClinGen allele CA3135523.